The following is an entry in ClinVar:

NM_138413.4(HOGA1):c.397del (p.Ala133fs)

Gene: HOGA1 (4-hydroxy-2-oxoglutarate aldolase 1; plus strand). Cytogenetic location: 10q24.2.
Variant type: Deletion.
Coding change: c.397del on transcript NM_138413.4 (MANE Select); coding-DNA position 397, one base deleted (G; older notation c.397delG).
Protein change: p.Ala133fs; shifts the reading frame from alanine 133.
Molecular consequence: frameshift variant. On other transcripts: intron variant (1).
Genome position (GRCh38, 1-based): chr10:97,599,145, G deleted; the last of 2 consecutive G bases (chr10:97,599,144-97,599,145); deleting either gives the same sequence. VCF-style (leftmost placement, unchanged base first): chr10-97599143-CG-C. GRCh37 (hg19) VCF-style: chr10-99358900-CG-C.
Other names: c.212-2712del (NM_001134670.2); short protein forms A133fs.
Identifiers: ClinVar variation 1424866 (VCV001424866.6), dbSNP rs2135721735, ClinGen allele CA2573146100.
Genomic context (GRCh38, chr10:97,599,143, plus strand): 5'-TGGCAGCCACTCAAGCCACAGTGGAGATGACCGTCAGCATGGCCCAGGTCGGGGCTGACG[CG>C]GCCATGGTGGTGACCCCTTGCTACTATCGTGGCCGCATGAGCAGTGCGGCCCTCATTCAC-3'

ClinVar aggregate classification (germline): Pathogenic (1 of 4 stars; one submission).

Submission:

Labcorp Genetics (formerly Invitae), Labcorp
Classification: Pathogenic. Last evaluated: 2021-11-09. Review status: criteria provided, single submitter. Criteria: Invitae Variant Classification Sherloc (09022015). Collection method: clinical testing. Allele origin: germline.
Comment: For these reasons, this variant has been classified as Pathogenic. This variant has not been reported in the literature in individuals affected with HOGA1-related conditions. This variant is not present in population databases (gnomAD no frequency). This sequence change creates a premature translational stop signal (p.Ala133Profs*4) in the HOGA1 gene. It is expected to result in an absent or disrupted protein product. Loss-of-function variants in HOGA1 are known to be pathogenic (PMID: 22391140, 22781098).

Literature cited by the submitters: PubMed 22391140; PubMed 22781098.